The following is an entry in ClinVar:

NM_032520.5(GNPTG):c.179-1G>A

Gene: GNPTG (N-acetylglucosamine-1-phosphate transferase subunit gamma; plus strand). Cytogenetic location: 16p13.3.
Variant type: single nucleotide variant.
Coding change: c.179-1G>A on transcript NM_032520.5 (MANE Select); the canonical splice acceptor site of the intron before coding-DNA position 179, G replaced by A.
Molecular consequence: splice acceptor variant.
Genome position (GRCh38, 1-based): chr16:1,361,742, G>A. VCF-style: chr16-1361742-G-A. GRCh37 (hg19) VCF-style: chr16-1411743-G-A.
Identifiers: ClinVar variation 1068417 (VCV001068417.9), dbSNP rs988175540, ClinGen allele CA276656170.

ClinVar aggregate classification (germline): Likely pathogenic. Review status: criteria provided, multiple submitters, no conflicts (2 of 4 stars). 3 submissions from 3 submitters: Likely pathogenic (2). 1 of the submissions does not count toward it. Last evaluated 2023-07-18.

Conditions:
GNPTG-related disorder. Also called: GNPTG-related condition.
GNPTG-mucolipidosis. Also called: MUCOLIPIDOSIS III, COMPLEMENTATION GROUP C; MUCOLIPIDOSIS III, IRANIAN VARIANT FORM; MUCOLIPIDOSIS III, VARIANT FORM; ML III GAMMA; ML IIIC; Mucolipidosis type III gamma. Identifiers: Orphanet 423470, Orphanet 577, MedGen C1854896, MONDO:0009652, OMIM 252605.

Allele frequency attached by ClinVar (database versions not stated): TOPMed below 0.00001; gnomAD exomes 0.00001.
gnomAD v4.1: 21 of 1,614,160 alleles (0.0013%); highest among the groups gnomAD compares: Non-Finnish European, 0.0018%; no homozygotes.

Submissions (3):

Labcorp Genetics (formerly Invitae), Labcorp
Classification: Likely pathogenic. Last evaluated: 2023-07-18. Review status: criteria provided, single submitter. Criteria: Invitae Variant Classification Sherloc (09022015). Collection method: clinical testing. Allele origin: germline.
Comment: This variant has not been reported in the literature in individuals affected with GNPTG-related conditions. In summary, the currently available evidence indicates that the variant is pathogenic, but additional data are needed to prove that conclusively. Therefore, this variant has been classified as Likely Pathogenic. Algorithms developed to predict the effect of sequence changes on RNA splicing suggest that this variant may disrupt the consensus splice site. ClinVar contains an entry for this variant (Variation ID: 1068417). This sequence change affects an acceptor splice site in intron 3 of the GNPTG gene. It is expected to disrupt RNA splicing. Variants that disrupt the donor or acceptor splice site typically lead to a loss of protein function (PMID: 16199547), and loss-of-function variants in GNPTG are known to be pathogenic (PMID: 19370764, 20301784). This variant is not present in population databases (gnomAD no frequency).

Blueprint Genetics
Classification: Likely pathogenic for GNPTG-related disorders. Last evaluated: 2022-02-25. Review status: criteria provided, single submitter. Criteria: ACMG Guidelines, 2015. Collection method: clinical testing. Allele origin: germline. Affected: yes. Observed: 2 variant alleles.

Natera, Inc.
Classification: Likely pathogenic for Mucolipidosis III gamma. Last evaluated: 2017-06-23. Review status: no assertion criteria provided. Collection method: clinical testing. Allele origin: germline. Not counted in ClinVar's aggregate classification.

Literature cited by the submitters: PubMed 16199547 (cited by Labcorp Genetics (formerly Invitae), Labcorp); PubMed 19370764 (cited by Labcorp Genetics (formerly Invitae), Labcorp); PubMed 20301784 (cited by Labcorp Genetics (formerly Invitae), Labcorp).